The following is an entry in ClinVar:

ClinVar aggregate classification (germline): Uncertain significance (1 of 4 stars; one submission).

Conditions:
Spinocerebellar ataxia, autosomal recessive, with axonal neuropathy 2 (SCAN2). Also called: Ataxia-ocular apraxia-2; Ataxia with Oculomotor Apraxia; Ataxia with Oculomotor Apraxia Type 2; ATAXIA-OCULOMOTOR APRAXIA 2. Identifiers: Orphanet 64753, MedGen C1853761, MONDO:0018996, OMIM 606002.
Amyotrophic lateral sclerosis type 4 (ALS4). Also called: AMYOTROPHIC LATERAL SCLEROSIS 4, JUVENILE; NEURONOPATHY, DISTAL HEREDITARY MOTOR, WITH PYRAMIDAL FEATURES. Identifiers: Orphanet 357043, MedGen C1865409, MONDO:0011223, OMIM 602433.

Allele frequency attached by ClinVar (database versions not stated): gnomAD exomes below 0.00001.

Submission:

Labcorp Genetics (formerly Invitae), Labcorp
Classification: Uncertain significance for Amyotrophic lateral sclerosis type 4; Spinocerebellar ataxia, autosomal recessive, with axonal neuropathy 2. Last evaluated: 2022-06-03. Review status: criteria provided, single submitter. Criteria: Invitae Variant Classification Sherloc (09022015). Collection method: clinical testing. Allele origin: germline.
Comment: Experimental studies and prediction algorithms are not available or were not evaluated, and the functional significance of this variant is currently unknown. In summary, the available evidence is currently insufficient to determine the role of this variant in disease. Therefore, it has been classified as a Variant of Uncertain Significance. ClinVar contains an entry for this variant (Variation ID: 1465019). This variant has not been reported in the literature in individuals affected with SETX-related conditions. This variant is not present in population databases (gnomAD no frequency). This sequence change results in a frameshift in the SETX gene (p.Arg2662Glyfs*21). While this is not anticipated to result in nonsense mediated decay, it is expected to disrupt the last 16 amino acid(s) of the SETX protein and extend the protein by 4 additional amino acid residues.

NM_015046.7(SETX):c.7984del (p.Arg2662fs)

Gene: SETX (senataxin; minus strand). Cytogenetic location: 9q34.13.
Variant type: Deletion.
Coding change: c.7984del on transcript NM_015046.7 (MANE Select); coding-DNA position 7984, one base deleted (A; older notation c.7984delA).
Protein change: p.Arg2662fs; shifts the reading frame from arginine 2662.
Molecular consequence: frameshift variant.
Genome position (GRCh38, 1-based): chr9:132,264,289, T deleted on the plus strand (A on the coding strand, the reverse complement: SETX is on the minus strand). VCF-style (leftmost placement, unchanged base first): chr9-132264288-CT-C. GRCh37 (hg19) VCF-style: chr9-135139675-CT-C.
Other names: c.7984del, p.Arg2662fs (NM_001351527.2); c.8071del, p.Arg2691fs (NM_001351528.2); short protein forms R2691fs, R2662fs.
Identifiers: ClinVar variation 1465019 (VCV001465019.6), dbSNP rs2131109788, ClinGen allele CA2573144028.
Genomic context (GRCh38, chr9:132,264,288, plus strand): 5'-ACTGGGCTTTCCTATAAAAGCTTTCTTTTCTTGGAACTGCTGTCCTCCTGCTCCAGTGTC[CT>C]CTTGTCCCACCTAGAGTTCCTCCTGGTGTGATGGGTCTCGGAACCACACTTCTCCTGCTC-3'